The following is an entry in ClinVar:

ClinVar aggregate classification (germline): Uncertain significance. Review status: criteria provided, multiple submitters, no conflicts (2 of 4 stars). 6 submissions from 6 submitters: Uncertain significance (6). Last evaluated 2025-11-10.

Conditions:
Familial adenomatous polyposis 1 (FAP1). Also called: POLYPOSIS, ADENOMATOUS INTESTINAL; FAMILIAL ADENOMATOUS POLYPOSIS 1, ATTENUATED. Identifiers: MedGen C2713442, MONDO:0021056, OMIM 175100. Disease mechanism: loss of function.
Classic or attenuated familial adenomatous polyposis. Identifiers: MedGen CN372698, MONDO:0021057.
Hereditary cancer-predisposing syndrome. Also called: Hereditary Cancer Syndrome; Neoplastic Syndromes, Hereditary; Tumor predisposition; Hereditary neoplastic syndrome. Identifiers: Orphanet 140162, MedGen C0027672, MeSH D009386, MONDO:0015356.

Allele frequency attached by ClinVar (database versions not stated): gnomAD exomes below 0.00001; ExAC 0.00001; gnomAD 0.00001; TOPMed 0.00002.
gnomAD v4.1: 4 of 1,613,742 alleles (0.00025%); highest among the groups gnomAD compares: African/African-American, 0.0013%; no homozygotes.

Submissions (6):

Labcorp Genetics (formerly Invitae), Labcorp
Classification: Uncertain significance for Familial adenomatous polyposis 1. Last evaluated: 2025-11-10. Review status: criteria provided, single submitter. Criteria: Invitae Variant Classification Sherloc (09022015). Collection method: clinical testing. Allele origin: germline.
Comment: This sequence change replaces tyrosine, which is neutral and polar, with cysteine, which is neutral and slightly polar, at codon 493 of the APC protein (p.Tyr493Cys). This variant is present in population databases (rs770649674, gnomAD 0.007%). This variant has not been reported in the literature in individuals affected with APC-related conditions. ClinVar contains an entry for this variant (Variation ID: 489415). Invitae Evidence Modeling of protein sequence and biophysical properties (such as structural, functional, and spatial information, amino acid conservation, physicochemical variation, residue mobility, and thermodynamic stability) indicates that this missense variant is not expected to disrupt APC protein function with a negative predictive value of 95%. In summary, the available evidence is currently insufficient to determine the role of this variant in disease. Therefore, it has been classified as a Variant of Uncertain Significance.

Color Diagnostics, LLC DBA Color Health
Classification: Uncertain significance for Hereditary cancer-predisposing syndrome. Last evaluated: 2025-01-28. Review status: criteria provided, single submitter. Criteria: ACMG Guidelines, 2015. Collection method: clinical testing. Allele origin: germline.
Comment: This missense variant replaces tyrosine with cysteine at codon 493 of the APC protein. Computational prediction suggests that this variant may have deleterious impact on protein structure and function (internally defined REVEL score threshold >= 0.7, PMID: 27666373). To our knowledge, functional studies have not been reported for this variant. This variant has not been reported in individuals affected with APC-related disorders in the literature. This variant has been identified in 1/251250 chromosomes in the general population by the Genome Aggregation Database (gnomAD). The available evidence is insufficient to determine the role of this variant in disease conclusively. Therefore, this variant is classified as a Variant of Uncertain Significance.

Ambry Genetics
Classification: Uncertain significance for Hereditary cancer-predisposing syndrome. Last evaluated: 2023-12-11. Review status: criteria provided, single submitter. Criteria: Ambry Variant Classification Scheme 2023. Collection method: clinical testing. Allele origin: germline.
Comment: The p.Y493C variant (also known as c.1478A>G), located in coding exon 11 of the APC gene, results from an A to G substitution at nucleotide position 1478. The tyrosine at codon 493 is replaced by cysteine, an amino acid with highly dissimilar properties. This amino acid position is highly conserved in available vertebrate species. In addition, in silico predictors for this gene do not accurately predict pathogenicity. Since supporting evidence is limited at this time, the clinical significance of this alteration remains unclear.

All of Us Research Program, National Institutes of Health
Classification: Uncertain significance for Classic or attenuated familial adenomatous polyposis. Last evaluated: 2023-08-15. Review status: criteria provided, single submitter. Criteria: ACMG Guidelines, 2015. Collection method: clinical testing. Allele origin: germline. Inheritance: Autosomal dominant inheritance. Observed: 2 variant alleles, 2 heterozygotes.
Comment: This missense variant replaces tyrosine with cysteine at codon 493 of the APC protein. Computational prediction suggests that this variant may have deleterious impact on protein structure and function (internally defined REVEL score threshold >= 0.7, PMID: 27666373). To our knowledge, functional studies have not been reported for this variant. This variant has not been reported in individuals affected with APC-related disorders in the literature. This variant has been identified in 1/251250 chromosomes in the general population by the Genome Aggregation Database (gnomAD). The available evidence is insufficient to determine the role of this variant in disease conclusively. Therefore, this variant is classified as a Variant of Uncertain Significance.

This study involves interpretation of variants in research participants for the purpose of population health screening. Participant phenotype was not available at the time of variant classification. Additional details can be found in publication PMID: 35346344, PMCID: PMC8962531

Baylor Genetics
Classification: Uncertain significance for Familial adenomatous polyposis 1. Last evaluated: 2023-06-20. Review status: criteria provided, single submitter. Criteria: ACMG Guidelines, 2015. Collection method: clinical testing. Allele origin: unknown.

Women's Health and Genetics/Laboratory Corporation of America, LabCorp
Classification: Uncertain significance. Last evaluated: 2021-08-01. Review status: criteria provided, single submitter. Criteria: LabCorp Variant Classification Summary - May 2015. Collection method: clinical testing. Allele origin: germline.
Comment: Variant summary: APC c.1478A>G (p.Tyr493Cys) results in a non-conservative amino acid change in the encoded protein sequence. Four of five in-silico tools predict a damaging effect of the variant on protein function. The variant allele was found at a frequency of 4e-06 in 251250 control chromosomes. The available data on variant occurrences in the general population are insufficient to allow any conclusion about variant significance. To our knowledge, no occurrence of c.1478A>G in individuals affected with Familial Adenomatous Polyposis and no experimental evidence demonstrating its impact on protein function have been reported. Two clinical diagnostic laboratories have submitted clinical-significance assessments for this variant to ClinVar after 2014 without evidence for independent evaluation. All laboratories classified the variant as uncertain significance. Based on the evidence outlined above, the variant was classified as uncertain significance.

NM_000038.6(APC):c.1478A>G (p.Tyr493Cys)

Gene: APC (APC regulator of Wnt signaling pathway; plus strand). Cytogenetic location: 5q22.2.
Variant type: single nucleotide variant.
Coding change: c.1478A>G on transcript NM_000038.6 (MANE Select); coding-DNA position 1478, A replaced by G.
Protein change: p.Tyr493Cys; replaces tyrosine 493 with cysteine.
Molecular consequence: missense variant.
Genome position (GRCh38, 1-based): chr5:112,827,177, A>G. VCF-style: chr5-112827177-A-G. GRCh37 (hg19) VCF-style: chr5-112162874-A-G.
Other names: c.1478A>G, p.Tyr493Cys (NM_001127510.3, NM_001354895.2); c.1424A>G, p.Tyr475Cys (NM_001127511.3); c.1532A>G, p.Tyr511Cys (NM_001354896.2); c.1508A>G, p.Tyr503Cys (NM_001354897.2); c.1403A>G, p.Tyr468Cys (NM_001354898.2); c.1394A>G, p.Tyr465Cys (NM_001354899.2); c.1355A>G, p.Tyr452Cys (NM_001354900.2); c.1301A>G, p.Tyr434Cys (NM_001354901.2); and 5 more; short protein forms Y475C, Y493C, Y333C, Y392C, Y452C, Y468C, Y511C, Y434C.
Identifiers: ClinVar variation 489415 (VCV000489415.19), dbSNP rs770649674, ClinGen allele CA027863.